The following is an entry in ClinVar:

ClinVar aggregate classification (germline): Uncertain significance. Review status: criteria provided, multiple submitters, no conflicts (2 of 4 stars). 2 submissions from 2 submitters: Uncertain significance (2). Last evaluated 2024-02-06.

Conditions:
Retinal dystrophy, optic nerve edema, splenomegaly, anhidrosis, and migraine headache syndrome. Also called: ALPK1-Related Autoinflammatory Disease; Splenomegaly, cytopenia, and vision loss; ROSAH syndrome; Optic nerve edema-splenomegaly syndrome. Identifiers: Orphanet 313800, MedGen C4749914, MONDO:0013999, OMIM 614979.

gnomAD v4.1: 5 of 1,613,068 alleles (0.00031%); highest among the groups gnomAD compares: Non-Finnish European, 0.00042%; no homozygotes.

Submissions (2):

Labcorp Genetics (formerly Invitae), Labcorp
Classification: Uncertain significance. Last evaluated: 2024-02-06. Review status: criteria provided, single submitter. Criteria: Invitae Variant Classification Sherloc (09022015). Collection method: clinical testing. Allele origin: germline.
Comment: This sequence change replaces aspartic acid, which is acidic and polar, with glutamic acid, which is acidic and polar, at codon 32 of the ALPK1 protein (p.Asp32Glu). This variant is not present in population databases (gnomAD no frequency). This variant has not been reported in the literature in individuals affected with ALPK1-related conditions. An algorithm developed to predict the effect of missense changes on protein structure and function (PolyPhen-2) suggests that this variant is likely to be tolerated. In summary, the available evidence is currently insufficient to determine the role of this variant in disease. Therefore, it has been classified as a Variant of Uncertain Significance.

Department of Pathology and Laboratory Medicine, Sinai Health System
Classification: Uncertain significance for retinal dystrophy, optic nerve edema, splenomegaly, anhidrosis, and migraine headache syndrome. Last evaluated: 2021-07-30. Review status: criteria provided, single submitter. Criteria: ACMG Guidelines, 2015. Collection method: research. Allele origin: germline.

NM_025144.4(ALPK1):c.96C>A (p.Asp32Glu)

Gene: ALPK1 (alpha kinase 1; plus strand). Cytogenetic location: 4q25.
Variant type: single nucleotide variant.
Coding change: c.96C>A on transcript NM_025144.4 (MANE Select); coding-DNA position 96, C replaced by A.
Protein change: p.Asp32Glu; replaces aspartic acid 32 with glutamic acid.
Molecular consequence: missense variant.
Genome position (GRCh38, 1-based): chr4:112,377,873, C>A. VCF-style: chr4-112377873-C-A. GRCh37 (hg19) VCF-style: chr4-113299029-C-A.
Other names: c.96C>A, p.Asp32Glu (NM_001102406.2); c.17C>A, p.Thr6Lys (NM_001253884.2); short protein forms T6K, D32E.
Identifiers: ClinVar variation 3667302 (VCV003667302.3).